The following is an entry in ClinVar:

NM_000548.5(TSC2):c.4655_4656delinsGC (p.Glu1552Gly)

Gene: TSC2 (TSC complex subunit 2; plus strand). Cytogenetic location: 16p13.3.
Variant type: Indel.
Coding change: c.4655_4656delinsGC on transcript NM_000548.5 (MANE Select); coding-DNA positions 4655 to 4656, AA replaced by GC.
Protein change: p.Glu1552Gly; replaces glutamic acid 1552 with glycine.
Molecular consequence: missense variant.
Genome position (GRCh38, 1-based): chr16:2,085,315-2,085,316, AA replaced by GC. VCF-style: chr16-2085315-AA-GC. GRCh37 (hg19) VCF-style: chr16-2135316-AA-GC.
Other names: c.4454_4455delinsGC, p.Glu1485Gly (NM_001077183.3); c.4586_4587delinsGC, p.Glu1529Gly (NM_001114382.3); c.4346_4347delinsGC, p.Glu1449Gly (NM_001318827.2); c.4310_4311delinsGC, p.Glu1437Gly (NM_001318829.2); c.3923_3924delinsGC, p.Glu1308Gly (NM_001318831.2); c.4487_4488delinsGC, p.Glu1496Gly (NM_001318832.2); c.4457_4458delinsGC, p.Glu1486Gly (NM_001363528.2); c.4523_4524delinsGC, p.Glu1508Gly (NM_001370404.1); and 1 more; short protein forms E1308G, E1437G, E1449G, E1485G, E1486G, E1496G, E1508G, E1509G.
Identifiers: ClinVar variation 1697982 (VCV001697982.3), dbSNP rs2151553737, ClinGen allele CA2580091044.

ClinVar aggregate classification (germline): Uncertain significance. Review status: criteria provided, multiple submitters, no conflicts (2 of 4 stars). 2 submissions from 2 submitters: Uncertain significance (2). Last evaluated 2024-01-23.

Conditions:
Isolated focal cortical dysplasia type II (FCORD2). Also called: CORTICAL DYSPLASIA OF TAYLOR; Focal cortical dysplasia type II. Identifiers: Orphanet 268994, MedGen C1846385, MONDO:0011818, OMIM 607341, HP:0032051.

Submissions (2):

Baylor Genetics
Classification: Uncertain significance for Isolated focal cortical dysplasia type II. Last evaluated: 2024-01-23. Review status: criteria provided, single submitter. Criteria: ACMG Guidelines, 2015. Collection method: clinical testing. Allele origin: unknown.

GeneDx
Classification: Uncertain significance. Last evaluated: 2022-07-21. Review status: criteria provided, single submitter. Criteria: GeneDx Variant Classification Process June 2021. Collection method: clinical testing. Allele origin: germline. Affected: yes.
Comment: Not observed at significant frequency in large population cohorts (gnomAD); In silico analysis supports a deleterious effect on protein structure/function; Has not been previously published as pathogenic or benign to our knowledge; This variant is associated with the following publications: (PMID: 18466115)